The following is an entry in ClinVar:

NM_004655.4(AXIN2):c.1646A>G (p.Tyr549Cys)

Gene: AXIN2 (axin 2; minus strand). Cytogenetic location: 17q24.1.
Variant type: single nucleotide variant.
Coding change: c.1646A>G on transcript NM_004655.4 (MANE Select); coding-DNA position 1646, A replaced by G.
Protein change: p.Tyr549Cys; replaces tyrosine 549 with cysteine.
Molecular consequence: missense variant.
Genome position (GRCh38, 1-based): chr17:65,537,390, T>C on the plus strand (A>G on the coding strand, the complement: AXIN2 is on the minus strand). VCF-style: chr17-65537390-T-C. GRCh37 (hg19) VCF-style: chr17-63533508-T-C.
Other names: c.1646A>G, p.Tyr549Cys (NM_001363813.1); short protein forms Y549C.
Identifiers: ClinVar variation 1060943 (VCV001060943.13), dbSNP rs1369622684, ClinGen allele CA400677022.

ClinVar aggregate classification (germline): Uncertain significance. Review status: criteria provided, multiple submitters, no conflicts (2 of 4 stars). 3 submissions from 3 submitters: Uncertain significance (3). Last evaluated 2026-01-07.

Conditions:
Hereditary cancer-predisposing syndrome. Also called: Neoplastic Syndromes, Hereditary; Hereditary Cancer Syndrome; Hereditary neoplastic syndrome; Tumor predisposition. Identifiers: Orphanet 140162, MedGen C0027672, MeSH D009386, MONDO:0015356.
Oligodontia-cancer predisposition syndrome. Also called: TOOTH AGENESIS-COLORECTAL CANCER SYNDROME. Identifiers: Orphanet 300576, MedGen C1837750, MONDO:0012075, OMIM 608615. Disease mechanism: loss of function.

Allele frequency attached by ClinVar (database versions not stated): gnomAD exomes below 0.00001; TOPMed below 0.00001; gnomAD 0.00001.
gnomAD v4.1: 3 of 1,613,860 alleles (0.00019%); highest among the groups gnomAD compares: Non-Finnish European, 0.00025%; no homozygotes.

Submissions (3):

Labcorp Genetics (formerly Invitae), Labcorp
Classification: Uncertain significance for Oligodontia-cancer predisposition syndrome. Last evaluated: 2026-01-07. Review status: criteria provided, single submitter. Criteria: Invitae Variant Classification Sherloc (09022015). Collection method: clinical testing. Allele origin: germline.
Comment: This sequence change replaces tyrosine, which is neutral and polar, with cysteine, which is neutral and slightly polar, at codon 549 of the AXIN2 protein (p.Tyr549Cys). This variant is not present in population databases (gnomAD no frequency). This variant has not been reported in the literature in individuals affected with AXIN2-related conditions. ClinVar contains an entry for this variant (Variation ID: 1060943). Invitae Evidence Modeling of protein sequence and biophysical properties (such as structural, functional, and spatial information, amino acid conservation, physicochemical variation, residue mobility, and thermodynamic stability) indicates that this missense variant is not expected to disrupt AXIN2 protein function with a negative predictive value of 80%. In summary, the available evidence is currently insufficient to determine the role of this variant in disease. Therefore, it has been classified as a Variant of Uncertain Significance.

Ambry Genetics
Classification: Uncertain significance for Hereditary cancer-predisposing syndrome. Last evaluated: 2024-06-08. Review status: criteria provided, single submitter. Criteria: Ambry Variant Classification Scheme 2023. Collection method: clinical testing. Allele origin: germline.
Comment: The p.Y549C variant (also known as c.1646A>G), located in coding exon 5 of the AXIN2 gene, results from an A to G substitution at nucleotide position 1646. The tyrosine at codon 549 is replaced by cysteine, an amino acid with highly dissimilar properties. This amino acid position is conserved. In addition, the in silico prediction for this alteration is inconclusive. Since supporting evidence is limited at this time, the clinical significance of this alteration remains unclear.

ARUP Laboratories, Molecular Genetics and Genomics, ARUP Laboratories
Classification: Uncertain significance. Last evaluated: 2023-11-14. Review status: criteria provided, single submitter. Criteria: ARUP Molecular Germline Variant Investigation Process 2024. Collection method: clinical testing. Allele origin: germline.
Comment: The AXIN2 c.1646A>G; p.Tyr549Cys variant (rs1369622684), to our knowledge, is not reported in the medical literature but is reported in ClinVar (Variation ID: 1060943). This variant is also absent from the Genome Aggregation Database (v2.1.1), indicating it is not a common polymorphism. Computational analyses are uncertain whether this variant is neutral or deleterious (REVEL: 0.346). Due to limited information, the clinical significance of the p.Tyr549Cys variant is uncertain at this time.